The following is an entry in ClinVar:

ClinVar aggregate classification (germline): Uncertain significance (1 of 4 stars; one submission).

Conditions:
Autosomal dominant nocturnal frontal lobe epilepsy 5. Also called: KCNT1-Related Epilepsy; CILIARY DYSKINESIA, PRIMARY, 28, WITHOUT SITUS INVERSUS; CILIARY DYSKINESIA, PRIMARY, 28, WITH SITUS INVERSUS; Epilepsy, nocturnal frontal lobe, 5. Identifiers: Orphanet 98784, MedGen C3554306, MONDO:0014002, OMIM 615005.
Developmental and epileptic encephalopathy, 14 (DEE14). Also called: Early infantile epileptic encephalopathy 14. Identifiers: Orphanet 293181, MedGen C3554195, MONDO:0013989, OMIM 614959.

Submission:

Labcorp Genetics (formerly Invitae), Labcorp
Classification: Uncertain significance for Autosomal dominant nocturnal frontal lobe epilepsy 5; Developmental and epileptic encephalopathy, 14. Last evaluated: 2024-09-15. Review status: criteria provided, single submitter. Criteria: Invitae Variant Classification Sherloc (09022015). Collection method: clinical testing. Allele origin: germline.
Comment: This sequence change falls in intron 11 of the KCNT1 gene. It does not directly change the encoded amino acid sequence of the KCNT1 protein. It affects a nucleotide within the consensus splice site. This variant is not present in population databases (gnomAD no frequency). This variant has not been reported in the literature in individuals affected with KCNT1-related conditions. Variants that disrupt the consensus splice site are a relatively common cause of aberrant splicing (PMID: 17576681, 9536098). Algorithms developed to predict the effect of sequence changes on RNA splicing suggest that this variant is not likely to affect RNA splicing. In summary, the available evidence is currently insufficient to determine the role of this variant in disease. Therefore, it has been classified as a Variant of Uncertain Significance.

Literature cited by the submitters: PubMed 17576681; PubMed 9536098.

NM_020822.3(KCNT1):c.1035+6T>A

Gene: KCNT1 (potassium sodium-activated channel subfamily T member 1; plus strand). Cytogenetic location: 9q34.3.
Variant type: single nucleotide variant.
Coding change: c.1035+6T>A on transcript NM_020822.3 (MANE Select); 6 bases into the intron after coding-DNA position 1035, T replaced by A.
Molecular consequence: intron variant.
Genome position (GRCh38, 1-based): chr9:135,759,865, T>A. VCF-style: chr9-135759865-T-A. GRCh37 (hg19) VCF-style: chr9-138651711-T-A.
Other names: c.900+6T>A (NM_001272003.2).
Identifiers: ClinVar variation 3751510 (VCV003751510.2).